The following is an entry in ClinVar:

NM_182914.3(SYNE2):c.12596A>G (p.Asn4199Ser)

Gene: SYNE2 (spectrin repeat containing nuclear envelope protein 2; plus strand). Cytogenetic location: 14q23.2.
Variant type: single nucleotide variant.
Coding change: c.12596A>G on transcript NM_182914.3 (MANE Select); coding-DNA position 12596, A replaced by G.
Protein change: p.Asn4199Ser; replaces asparagine 4199 with serine.
Molecular consequence: missense variant.
Genome position (GRCh38, 1-based): chr14:64,107,594, A>G. VCF-style: chr14-64107594-A-G. GRCh37 (hg19) VCF-style: chr14-64574312-A-G.
Other names: c.12596A>G, p.Asn4199Ser (NM_015180.6); short protein forms N4199S.
Identifiers: ClinVar variation 313575 (VCV000313575.23), dbSNP rs35223918, ClinGen allele CA7222199.

ClinVar aggregate classification (germline): Benign. Review status: criteria provided, multiple submitters, no conflicts (2 of 4 stars). 6 submissions from 6 submitters: Benign (3). 3 of the submissions do not count toward it. Last evaluated 2026-02-04.

Conditions:
SYNE2-related disorder. Also called: SYNE2-related condition.
Emery-Dreifuss muscular dystrophy 5, autosomal dominant (EDMD5). Also called: EMERY-DREIFUSS MUSCULAR DYSTROPHY 5. Identifiers: Orphanet 261, MedGen C2751805, MONDO:0013072, OMIM 612999.

Allele frequency attached by ClinVar (database versions not stated): gnomAD exomes 0.00069 and 0.00173; ExAC 0.00213; 1000 Genomes Project 30x 0.00547; 1000 Genomes Project 0.00599; gnomAD 0.00630 and 0.00691; TOPMed 0.00710; ESP Exome Variant Server 0.00930.
gnomAD v4.1: 1,999 of 1,614,028 alleles (0.12%); highest among the groups gnomAD compares: African/African-American, 2.4%; 24 homozygotes.

Submissions (6):

Labcorp Genetics (formerly Invitae), Labcorp
Classification: Benign for Emery-Dreifuss muscular dystrophy 5, autosomal dominant. Last evaluated: 2026-02-04. Review status: criteria provided, single submitter. Criteria: Invitae Variant Classification Sherloc (09022015). Collection method: clinical testing. Allele origin: germline.

Illumina Laboratory Services, Illumina
Classification: Benign for Emery-Dreifuss muscular dystrophy 5, autosomal dominant. Last evaluated: 2018-01-12. Review status: criteria provided, single submitter. Criteria: ICSL Variant Classification Criteria 13 December 2019. Collection method: clinical testing. Allele origin: germline.
Comment: This variant was observed in the ICSL laboratory as part of a predisposition screen in an ostensibly healthy population. It had not been previously curated by ICSL or reported in the Human Gene Mutation Database (HGMD: prior to June 1st, 2018), and was therefore a candidate for classification through an automated scoring system. Utilizing variant allele frequency, disease prevalence and penetrance estimates, and inheritance mode, an automated score was calculated to assess if this variant is too frequent to cause the disease. Based on the score and internal cut-off values, a variant classified as benign is not then subjected to further curation. The score for this variant resulted in a classification of benign for this disease.

Breakthrough Genomics
Classification: Benign. Review status: criteria provided, single submitter. Criteria: ACMG Guidelines, 2015. Collection method: not provided. Allele origin: germline. Inheritance: Autosomal dominant inheritance. Affected: yes.

PreventionGenetics, part of Exact Sciences
Classification: Benign for SYNE2-related condition. Last evaluated: 2019-05-08. Review status: no assertion criteria provided. Collection method: clinical testing. Allele origin: germline. Not counted in ClinVar's aggregate classification.
Comment: This variant is classified as benign based on ACMG/AMP sequence variant interpretation guidelines (Richards et al. 2015 PMID: 25741868, with internal and published modifications).

Clinical Genetics DNA and cytogenetics Diagnostics Lab, Erasmus MC, Erasmus Medical Center
Classification: Benign. Review status: no assertion criteria provided. Collection method: clinical testing. Allele origin: germline. Affected: yes. Study: VKGL Data-share Consensus. Not counted in ClinVar's aggregate classification.

Clinical Genetics, Academic Medical Center
Classification: Benign. Review status: no assertion criteria provided. Collection method: clinical testing. Allele origin: germline. Affected: yes. Study: VKGL Data-share Consensus. Not counted in ClinVar's aggregate classification.